The following is an entry in ClinVar:

ClinVar aggregate classification (germline): Uncertain significance. Review status: criteria provided, multiple submitters, no conflicts (2 of 4 stars). 2 submissions from 2 submitters: Uncertain significance (2). Last evaluated 2023-11-08.

Conditions:
X-linked myopathy with postural muscle atrophy. Also called: FHL1-Related Emery-Dreifuss Muscular Dystrophy, X-Linked. Identifiers: Orphanet 178461, MedGen C2678055, MONDO:0010401, OMIM 300696.

Submissions (2):

Labcorp Genetics (formerly Invitae), Labcorp
Classification: Uncertain significance for X-linked myopathy with postural muscle atrophy. Last evaluated: 2023-11-08. Review status: criteria provided, single submitter. Criteria: Invitae Variant Classification Sherloc (09022015). Collection method: clinical testing. Allele origin: germline.
Comment: This sequence change replaces valine, which is neutral and non-polar, with methionine, which is neutral and non-polar, at codon 115 of the FHL1 protein (p.Val115Met). This variant is present in population databases (rs374479477, gnomAD 0.03%). This variant has not been reported in the literature in individuals affected with FHL1-related conditions. ClinVar contains an entry for this variant (Variation ID: 1981289). An algorithm developed to predict the effect of missense changes on protein structure and function (PolyPhen-2) suggests that this variant is likely to be disruptive. In summary, the available evidence is currently insufficient to determine the role of this variant in disease. Therefore, it has been classified as a Variant of Uncertain Significance.

Revvity Omics, Revvity
Classification: Uncertain significance. Last evaluated: 2023-09-25. Review status: criteria provided, single submitter. Criteria: ACMG Guidelines, 2015. Collection method: clinical testing. Allele origin: germline.

NM_001159699.2(FHL1):c.391G>A (p.Val131Met)

Gene: FHL1 (four and a half LIM domains 1; plus strand). Cytogenetic location: Xq26.3.
Variant type: single nucleotide variant.
Coding change: c.391G>A on transcript NM_001159699.2 (MANE Select); coding-DNA position 391, G replaced by A.
Protein change: p.Val131Met; replaces valine 131 with methionine.
Molecular consequence: missense variant. On other transcripts: non-coding transcript variant (1).
Genome position (GRCh38, 1-based): chrX:136,207,803, G>A. VCF-style: chrX-136207803-G-A. GRCh37 (hg19) VCF-style: chrX-135289962-G-A.
Other names: c.343G>A, p.Val115Met (NM_001159700.2, NM_001159702.3, NM_001159703.2 and 9 more transcripts); c.430G>A, p.Val144Met (NM_001159701.2); c.391G>A, p.Val131Met (NM_001330659.2); short protein forms V131M, V144M, V115M.
Identifiers: ClinVar variation 1981289 (VCV001981289.5), dbSNP rs374479477, ClinGen allele CA10525003.